The following is an entry in ClinVar:

ClinVar aggregate classification (germline): Uncertain significance. Review status: criteria provided, multiple submitters, no conflicts (2 of 4 stars). 2 submissions from 2 submitters: Uncertain significance (2). Last evaluated 2025-12-02.

Conditions:
Breast-ovarian cancer, familial, susceptibility to, 2 (BROVCA2). Also called: BRCA2 Hereditary Breast and Ovarian Cancer. Identifiers: Orphanet 145, MedGen C2675520, MONDO:0012933, OMIM 612555. Disease mechanism: loss of function.
Hereditary cancer-predisposing syndrome. Also called: Hereditary Cancer Syndrome; Hereditary neoplastic syndrome; Neoplastic Syndromes, Hereditary; Tumor predisposition. Identifiers: Orphanet 140162, MedGen C0027672, MeSH D009386, MONDO:0015356.

gnomAD v4.1: 2 of 1,614,114 alleles (0.00012%); highest among the groups gnomAD compares: South Asian, 0.0022%; no homozygotes.

Submissions (2):

KCCC/NGS Laboratory, Kuwait Cancer Control Center
Classification: Uncertain significance for Breast-ovarian cancer, familial, susceptibility to, 2. Last evaluated: 2025-12-02. Review status: criteria provided, single submitter. Criteria: ACMG Guidelines, 2015. Collection method: clinical testing. Allele origin: germline. Inheritance: Autosomal dominant inheritance. Affected: yes.
Comment: the clinical significance of this variant remains unclear. There for classified as uncertain significance variant .

Ambry Genetics
Classification: Uncertain significance for Hereditary cancer-predisposing syndrome. Last evaluated: 2024-10-25. Review status: criteria provided, single submitter. Criteria: Ambry Variant Classification Scheme 2023. Collection method: clinical testing. Allele origin: germline.
Comment: The p.D707V variant (also known as c.2120A>T), located in coding exon 10 of the BRCA2 gene, results from an A to T substitution at nucleotide position 2120. The aspartic acid at codon 707 is replaced by valine, an amino acid with highly dissimilar properties. This amino acid position is conserved. In addition, the in silico prediction for this alteration is inconclusive. Based on the available evidence, the clinical significance of this variant remains unclear.

NM_000059.4(BRCA2):c.2120A>T (p.Asp707Val)

Gene: BRCA2 (BRCA2 DNA repair associated; plus strand). Cytogenetic location: 13q13.1.
Variant type: single nucleotide variant.
Coding change: c.2120A>T on transcript NM_000059.4 (MANE Select); coding-DNA position 2120, A replaced by T.
Protein change: p.Asp707Val; replaces aspartic acid 707 with valine.
Molecular consequence: missense variant. On other transcripts: non-coding transcript variant (1), intron variant (2).
Genome position (GRCh38, 1-based): chr13:32,336,475, A>T. VCF-style: chr13-32336475-A-T. GRCh37 (hg19) VCF-style: chr13-32910612-A-T.
Other names: c.2120A>T, p.Asp707Val (NM_001406719.1, NM_001406720.1, NM_001432077.1); c.1909+3088A>T (NM_001406721.1); c.424+5445A>T (NM_001406722.1); short protein forms D707V.
Identifiers: ClinVar variation 3482149 (VCV003482149.2).